The following is an entry in ClinVar:

ClinVar aggregate classification (germline): Uncertain significance (1 of 4 stars; one submission).

Conditions:
Bardet-Biedl syndrome (BBS). Identifiers: Orphanet 110, MedGen C0752166, MONDO:0015229.

Submission:

Labcorp Genetics (formerly Invitae), Labcorp
Classification: Uncertain significance for Bardet-Biedl syndrome. Last evaluated: 2022-11-22. Review status: criteria provided, single submitter. Criteria: Invitae Variant Classification Sherloc (09022015). Collection method: clinical testing. Allele origin: germline.
Comment: This sequence change replaces arginine, which is basic and polar, with serine, which is neutral and polar, at codon 669 of the BBS7 protein (p.Arg669Ser). This variant is not present in population databases (gnomAD no frequency). This variant has not been reported in the literature in individuals affected with BBS7-related conditions. Advanced modeling of protein sequence and biophysical properties (such as structural, functional, and spatial information, amino acid conservation, physicochemical variation, residue mobility, and thermodynamic stability) performed at Invitae indicates that this missense variant is expected to disrupt BBS7 protein function. In summary, the available evidence is currently insufficient to determine the role of this variant in disease. Therefore, it has been classified as a Variant of Uncertain Significance.

NM_176824.3(BBS7):c.2007A>T (p.Arg669Ser)

Gene: BBS7 (Bardet-Biedl syndrome 7; minus strand). Cytogenetic location: 4q27.
Variant type: single nucleotide variant.
Coding change: c.2007A>T on transcript NM_176824.3 (MANE Select); coding-DNA position 2007, A replaced by T.
Protein change: p.Arg669Ser; replaces arginine 669 with serine.
Molecular consequence: missense variant.
Genome position (GRCh38, 1-based): chr4:121,828,153, T>A on the plus strand (A>T on the coding strand, the complement: BBS7 is on the minus strand). VCF-style: chr4-121828153-T-A. GRCh37 (hg19) VCF-style: chr4-122749308-T-A.
Other names: c.2007A>T, p.Arg669Ser (NM_018190.4); short protein forms R669S.
Identifiers: ClinVar variation 2126730 (VCV002126730.4), dbSNP rs2476801302, ClinGen allele CA358054209.